The following is an entry in ClinVar:

ClinVar aggregate classification (germline): Conflicting classifications of pathogenicity. Review status: criteria provided, conflicting classifications (1 of 4 stars). 5 submissions from 5 submitters: Uncertain significance (2); Likely benign (1). 2 of the submissions do not count toward it. Last evaluated 2025-11-18.

Conditions:
DSP-related disorder. Also called: DSP-related condition; DSP-related disorders.
Arrhythmogenic cardiomyopathy with wooly hair and keratoderma. Also called: Dilated cardiomyopathy with woolly hair and keratoderma; Arrhythmogenic cardiomyopathy with woolly hair and keratoderma; PALMOPLANTAR KERATODERMA WITH LEFT VENTRICULAR CARDIOMYOPATHY AND WOOLLY HAIR; Carvajal syndrome. Identifiers: Orphanet 65282, MedGen C1854063, MONDO:0011581, OMIM 605676.
Arrhythmogenic right ventricular dysplasia 8 (ARVD8). Also called: Arrhythmogenic Right Ventricular Dysplasia/Cardiomyopathy 8; ARRHYTHMOGENIC RIGHT VENTRICULAR DYSPLASIA, FAMILIAL, 8; ARRHYTHMOGENIC RIGHT VENTRICULAR CARDIOMYOPATHY 8. Identifiers: MedGen C1843896, MONDO:0011831, OMIM 607450.

Allele frequency attached by ClinVar (database versions not stated): TOPMed 0.00001.
gnomAD v4.1: 11 of 1,612,392 alleles (0.00068%); highest among the groups gnomAD compares: South Asian, 0.0022%; no homozygotes.

Submissions (5):

Labcorp Genetics (formerly Invitae), Labcorp
Classification: Likely benign for Arrhythmogenic cardiomyopathy with wooly hair and keratoderma; Arrhythmogenic right ventricular dysplasia 8. Last evaluated: 2025-11-18. Review status: criteria provided, single submitter. Criteria: Invitae Variant Classification Sherloc (09022015). Collection method: clinical testing. Allele origin: germline.

PreventionGenetics, part of Exact Sciences
Classification: Uncertain significance for DSP-related condition. Last evaluated: 2025-08-29. Review status: criteria provided, single submitter. Criteria: ACMG Guidelines, 2015. Collection method: clinical testing. Allele origin: germline.
Comment: The DSP c.944G>A variant is predicted to result in the amino acid substitution p.Arg315His. This variant has been reported as a variant of uncertain significance in an individual with hypertrophic cardiomyopathy; however, this individual also carried a frameshift variant in MYBPC3 that could explain the phenotype (online supplementary file 2, van Lint et al. 2019. PubMed ID: 30847666). This variant is reported in 0.0033% of alleles in individuals of South Asian descent in gnomAD. At this time, the clinical significance of this variant is uncertain due to the absence of conclusive functional and genetic evidence.

All of Us Research Program, National Institutes of Health
Classification: Uncertain significance for Arrhythmogenic cardiomyopathy with wooly hair and keratoderma. Last evaluated: 2023-04-28. Review status: criteria provided, single submitter. Criteria: ACMG Guidelines, 2015. Collection method: clinical testing. Allele origin: germline. Inheritance: Autosomal dominant inheritance. Observed: 1 variant allele, 1 heterozygote.
Comment: This missense variant replaces arginine with histidine at codon 315 of the DSP protein. Computational prediction suggests that this variant may not impact protein structure and function (internally defined REVEL score threshold <= 0.5, PMID: 27666373). To our knowledge, functional studies have not been reported for this variant. This variant has been reported in an individual affected with hypertrophic cardiomyopathy (PMID: 30847666). This variant has been identified in 1/250432 chromosomes in the general population by the Genome Aggregation Database (gnomAD). The available evidence is insufficient to determine the role of this variant in disease conclusively. Therefore, this variant is classified as a Variant of Uncertain Significance.

This study involves interpretation of variants in research participants for the purpose of population health screening. Participant phenotype was not available at the time of variant classification. Additional details can be found in publication PMID: 35346344, PMCID: PMC8962531

Clinical Genetics, Academic Medical Center
Classification: Uncertain significance. Review status: no assertion criteria provided. Collection method: clinical testing. Allele origin: germline. Affected: yes. Study: VKGL Data-share Consensus. Not counted in ClinVar's aggregate classification.

Joint Genome Diagnostic Labs from Nijmegen and Maastricht, Radboudumc and MUMC+
Classification: Uncertain significance. Review status: no assertion criteria provided. Collection method: clinical testing. Allele origin: germline. Affected: yes. Study: VKGL Data-share Consensus. Not counted in ClinVar's aggregate classification.

Literature cited by the submitters: PubMed 30847666 (cited by All of Us Research Program, National Institutes of Health).

NM_004415.4(DSP):c.944G>A (p.Arg315His)

Gene: DSP (desmoplakin; plus strand). Cytogenetic location: 6p24.3.
Variant type: single nucleotide variant.
Coding change: c.944G>A on transcript NM_004415.4 (MANE Select); coding-DNA position 944, G replaced by A.
Protein change: p.Arg315His; replaces arginine 315 with histidine.
Molecular consequence: missense variant.
Genome position (GRCh38, 1-based): chr6:7,566,381, G>A. VCF-style: chr6-7566381-G-A. GRCh37 (hg19) VCF-style: chr6-7566614-G-A.
Other names: c.944G>A, p.Arg315His (NM_001008844.3, NM_001319034.2); c.944G>A (NM_004415.3); short protein forms R315H.
Identifiers: ClinVar variation 1284612 (VCV001284612.7), dbSNP rs558825586, ClinGen allele CA053316.
Genomic context (GRCh38, chr6:7,566,381, plus strand): 5'-TGATGGAAGTTTAATGATGACTTGCTGCAAAGGATTTCTTATTTCTTCATTCACAGATAC[G>A]CATGAGTCAACTGGAAGTTAAAGAAAAAGAGCTCAATAAGCTGAAACAAGAAAGTGACCA-3'
Protein context (NP_004406.2, residues 305-325): IAQKQEAFSI[Arg315His]MSQLEVKEKE